The following is an entry in ClinVar:

ClinVar aggregate classification (germline): Likely pathogenic (1 of 4 stars; one submission).

Conditions:
Duchenne muscular dystrophy (DMD). Also called: MUSCULAR DYSTROPHY, PSEUDOHYPERTROPHIC PROGRESSIVE, DUCHENNE TYPE; Duchenne Muscular Dystrophy (DMD). Identifiers: Orphanet 98896, MedGen C0013264, MONDO:0010679, OMIM 310200.

Submission:

Labcorp Genetics (formerly Invitae), Labcorp
Classification: Likely pathogenic for Duchenne muscular dystrophy. Last evaluated: 2019-02-12. Review status: criteria provided, single submitter. Criteria: Invitae Variant Classification Sherloc (09022015). Collection method: clinical testing. Allele origin: germline.
Comment: In summary, the currently available evidence indicates that the variant is pathogenic, but additional data are needed to prove that conclusively. Therefore, this variant has been classified as Likely Pathogenic. Loss-of-function variants in DMD are known to be pathogenic (PMID: 16770791, 25007885). This variant has not been reported in the literature in individuals with DMD-related conditions. This variant results in a copy number gain of the genomic region encompassing exons 16-43 of the DMD gene. While the exact position of this variant cannot be determined from this data, sub-genic copy number gains are generally in tandem (PMID: 25640679) and may result in an absent or disrupted protein product.

Literature cited by the submitters: PubMed 16770791; PubMed 25007885; PubMed 25640679.

NC_000023.10:g.(?_32305636)_(32584008_?)dup

Gene: DMD (dystrophin; minus strand). Cytogenetic location: Xp21.1.
Variant type: Duplication.
Identifiers: ClinVar variation 657916 (VCV000657916.7).